The following is an entry in ClinVar:

NM_000138.5(FBN1):c.3963A>G (p.Thr1321=)

Gene: FBN1 (fibrillin 1; minus strand). Cytogenetic location: 15q21.1.
Variant type: single nucleotide variant.
Coding change: c.3963A>G on transcript NM_000138.5 (MANE Select); coding-DNA position 3963, A replaced by G.
Protein change: p.Thr1321=; no amino-acid change (threonine 1321 retained).
Molecular consequence: synonymous variant.
Genome position (GRCh38, 1-based): chr15:48,481,656, T>C on the plus strand (A>G on the coding strand, the complement: FBN1 is on the minus strand). VCF-style: chr15-48481656-T-C. GRCh37 (hg19) VCF-style: chr15-48773853-T-C.
Identifiers: ClinVar variation 520237 (VCV000520237.24), dbSNP rs140648, ClinGen allele CA269523924.

ClinVar aggregate classification (germline): Likely pathogenic. Review status: criteria provided, multiple submitters, no conflicts (2 of 4 stars). 4 submissions from 4 submitters: Likely pathogenic (3). 1 of the submissions does not count toward it. Last evaluated 2024-10-21.

Conditions:
Cardiovascular phenotype. Identifiers: MedGen CN230736.
Marfan syndrome (MFS). Also called: Marfan syndrome type 1; Marfan syndrome, classic; Marfan's syndrome; FBN1-Related Marfan Syndrome; MARFAN SYNDROME, TYPE I. Identifiers: Orphanet 284963, Orphanet 558, MedGen C0024796, MONDO:0007947, OMIM 154700.
Familial thoracic aortic aneurysm and aortic dissection (TAAD). Also called: Thoracic aortic aneurysms and dissections. Identifiers: Orphanet 91387, MedGen C4707243, MONDO:0019625.

Submissions (4):

Labcorp Genetics (formerly Invitae), Labcorp
Classification: Likely pathogenic for Marfan syndrome; Familial thoracic aortic aneurysm and aortic dissection. Last evaluated: 2024-10-21. Review status: criteria provided, single submitter. Criteria: Invitae Variant Classification Sherloc (09022015). Collection method: clinical testing. Allele origin: germline.
Comment: This sequence change affects codon 1321 of the FBN1 mRNA. It is a 'silent' change, meaning that it does not change the encoded amino acid sequence of the FBN1 protein. It affects a nucleotide within the consensus splice site. This variant is not present in population databases (gnomAD no frequency). This variant has been observed in individuals with clinical features of FBN1-related conditions (PMID: 10464652, 10647894, 12446365, 17657824, 19161152, 35058154). ClinVar contains an entry for this variant (Variation ID: 520237). Algorithms developed to predict the effect of sequence changes on RNA splicing suggest that this variant may disrupt the consensus splice site. In summary, the currently available evidence indicates that the variant is pathogenic, but additional data are needed to prove that conclusively. Therefore, this variant has been classified as Likely Pathogenic.

Centre of Medical Genetics, University of Antwerp
Classification: Likely pathogenic for Marfan syndrome. Last evaluated: 2021-03-01. Review status: criteria provided, single submitter. Criteria: Submitter's publication. Collection method: research. Allele origin: unknown. Affected: yes.
Comment: PM2, PS1, PP4

Ambry Genetics
Classification: Likely pathogenic for Cardiovascular phenotype. Last evaluated: 2015-09-17. Review status: criteria provided, single submitter. Criteria: Ambry Autosomal Dominant and X-Linked criteria (10/2015). Collection method: clinical testing. Allele origin: germline. Observed: 1 variant allele.
Comment: The c.3963A>G variant (also known as p.T1321T), located in coding exon 31, results from an A to G substitution at nucleotide position 3963 of the FBN1 gene. This nucleotide substitution does not change the amino acid at codon 1321. It was also detected inan individual presented with skeletal system involved, aortic dilatation and family history ofectopia lentis but did not fulfillGhentcriteria (Turner CL et al, Am. J. Med. Genet. A 2009 Feb;149A(2):161-70).This variant was previously reported in the SNPDatabase as rs140648. It<span style="font-family:arial,sans-serif; font-size:10pt">was not reported in population based cohorts in the following databases: NHLBIExomeSequencing Project (ESP)and 1000 Genomes Project. In the ESP, this variant was not observed in 6494<span style="font-family:arial,sans-serif; font-size:10pt">samples (12988 alleles) with coverage at this position.<span style="line-height:13.8667px">Using theBDGP<span style="line-height:13.8667px">andESEfinder<span style="line-height:13.8667px">splice site prediction tools, this alteration is predicted to weaken the efficiency of the native splice donor site; however, direct evidence is unavailable.<span style="font-family:arial,sans-serif; font-size:10pt">Another algorithm also predicted the variant to cause aberrant splicing (Sahashi<span style="line-height:1.6">K et al<span style="line-height:1.6">, <em style="line-height:1.6">Nucleic Acids Res<span style="line-height:1.6">. 2007<span style="line-height:1.6">; 35(18):5995-6003).Based on the majority of available evidence to date, this variant is likely to be pathogenic.

Center for Medical Genetics Ghent, University of Ghent
Classification: Likely pathogenic for Marfan syndrome. Last evaluated: 2017-11-07. Review status: no assertion criteria provided. Collection method: clinical testing. Allele origin: germline. Affected: yes. Not counted in ClinVar's aggregate classification.

Literature cited by the submitters: PubMed 10464652 (cited by Labcorp Genetics (formerly Invitae), Labcorp and Ambry Genetics); PubMed 10647894 (cited by Labcorp Genetics (formerly Invitae), Labcorp and Ambry Genetics); PubMed 12446365 (cited by Labcorp Genetics (formerly Invitae), Labcorp and Ambry Genetics); PubMed 17657824 (cited by Labcorp Genetics (formerly Invitae), Labcorp); PubMed 19161152 (cited by Labcorp Genetics (formerly Invitae), Labcorp and Ambry Genetics); PubMed 35058154 (cited by Labcorp Genetics (formerly Invitae), Labcorp); PubMed 17726045 (cited by Ambry Genetics).